The following is an entry in ClinVar:

ClinVar aggregate classification (germline): Benign (1 of 4 stars; one submission).

Allele frequency attached by ClinVar (database versions not stated): 1000 Genomes Project 0.80238; 1000 Genomes Project 30x 0.80458; TOPMed 0.73267; gnomAD 0.67464.

Submission:

GeneDx
Classification: Benign. Last evaluated: 2018-06-14. Review status: criteria provided, single submitter. Criteria: GeneDx Variant Classification (06012015). Collection method: clinical testing. Allele origin: germline. Affected: yes.
Comment: This variant is considered likely benign or benign based on one or more of the following criteria: it is a conservative change, it occurs at a poorly conserved position in the protein, it is predicted to be benign by multiple in silico algorithms, and/or has population frequency not consistent with disease.

NM_080632.3(UPF3B):c.847-292T>C

Gene: UPF3B (UPF3B regulator of nonsense mediated mRNA decay; minus strand). Cytogenetic location: Xq24.
Variant type: single nucleotide variant.
Coding change: c.847-292T>C on transcript NM_080632.3 (MANE Select); 292 bases into the intron before coding-DNA position 847, T replaced by C.
Molecular consequence: intron variant.
Genome position (GRCh38, 1-based): chrX:119,838,819, A>G on the plus strand (T>C on the coding strand, the complement: UPF3B is on the minus strand). VCF-style: chrX-119838819-A-G. GRCh37 (hg19) VCF-style: chrX-118972782-A-G.
Other names: c.808-292T>C (NM_023010.4).
Identifiers: ClinVar variation 684056 (VCV000684056.1), dbSNP rs2496205, ClinGen allele CA15035197.